The following is an entry in ClinVar:

ClinVar aggregate classification (germline): Pathogenic (1 of 4 stars; one submission).

Conditions:
Familial cancer of breast. Also called: hereditary breast carcinoma; BREAST CANCER, FAMILIAL; Hereditary breast cancer. Identifiers: Orphanet 227535, MedGen C0346153, MONDO:0016419, OMIM 114480. Disease mechanism: loss of function.

Submission:

Labcorp Genetics (formerly Invitae), Labcorp
Classification: Pathogenic for Familial cancer of breast. Last evaluated: 2018-08-25. Review status: criteria provided, single submitter. Criteria: Invitae Variant Classification Sherloc (09022015). Collection method: clinical testing. Allele origin: germline.
Comment: For these reasons, this variant has been classified as Pathogenic. Loss-of-function variants in CHEK2 are known to be pathogenic (PMID: 21876083, 24713400). This variant has not been reported in the literature in individuals with CHEK2-related disease. This variant is an out-of-frame deletion of the genomic region encompassing exon 6 of the CHEK2 gene. This is expected to create a premature translational stop signal and result in an absent or disrupted protein product.

Literature cited by the submitters: PubMed 21876083; PubMed 24713400.

NC_000022.11:g.(?_28711899)_(28712027_?)del

Gene: CHEK2 (checkpoint kinase 2; minus strand). Cytogenetic location: 22q12.1.
Variant type: Deletion.
Identifiers: ClinVar variation 642061 (VCV000642061.6).